The following is an entry in ClinVar:

NM_001365088.1(SLC12A6):c.1128G>T (p.Met376Ile)

Gene: SLC12A6 (solute carrier family 12 member 6; minus strand). Cytogenetic location: 15q14.
Variant type: single nucleotide variant.
Coding change: c.1128G>T on transcript NM_001365088.1 (MANE Select); coding-DNA position 1128, G replaced by T.
Protein change: p.Met376Ile; replaces methionine 376 with isoleucine.
Molecular consequence: missense variant.
Genome position (GRCh38, 1-based): chr15:34,252,375, C>A on the plus strand (G>T on the coding strand, the complement: SLC12A6 is on the minus strand). VCF-style: chr15-34252375-C-A. GRCh37 (hg19) VCF-style: chr15-34544576-C-A.
Other names: c.951G>T, p.Met317Ile (NM_001042494.2, NM_001042495.2); c.1101G>T, p.Met367Ile (NM_001042496.2); c.1083G>T, p.Met361Ile (NM_001042497.2); c.975G>T, p.Met325Ile (NM_005135.2); c.1128G>T, p.Met376Ile (NM_133647.2); c.1128G>T (NM_133647.1); short protein forms M361I, M367I, M376I, M317I, M325I.
Identifiers: ClinVar variation 1408479 (VCV001408479.5), dbSNP rs2140737459, ClinGen allele CA391607740.
Genomic context (GRCh38, chr15:34,252,375, plus strand): 5'-AATTTCCTTGGTCTTAGAGCAAACGTCAATGTGTCTTGATGAAAGGGTGCGGTTACCCAG[C>A]ATGCAGACCCTAAGTGAAAAGAAATAGGGAGAAAGATCAAGTAAGGAAAAAAAGTACATT-3'
Protein context (NP_001352017.1, residues 366-386): SFAPPHFPVC[Met376Ile]LGNRTLSSRH

ClinVar aggregate classification (germline): Uncertain significance. Review status: criteria provided, multiple submitters, no conflicts (2 of 4 stars). 2 submissions from 2 submitters: Uncertain significance (2). Last evaluated 2025-08-08.

Conditions:
Inborn genetic diseases. Identifiers: MedGen C0950123, MeSH D030342.

Allele frequency attached by ClinVar (database versions not stated): gnomAD exomes below 0.00001.

Submissions (2):

Ambry Genetics
Classification: Uncertain significance for Inborn genetic diseases. Last evaluated: 2025-08-08. Review status: criteria provided, single submitter. Criteria: Ambry Variant Classification Scheme 2023. Collection method: clinical testing. Allele origin: germline.

Labcorp Genetics (formerly Invitae), Labcorp
Classification: Uncertain significance. Last evaluated: 2025-06-30. Review status: criteria provided, single submitter. Criteria: Invitae Variant Classification Sherloc (09022015). Collection method: clinical testing. Allele origin: germline.
Comment: This sequence change replaces methionine, which is neutral and non-polar, with isoleucine, which is neutral and non-polar, at codon 376 of the SLC12A6 protein (p.Met376Ile). This variant is not present in population databases (gnomAD no frequency). This variant has not been reported in the literature in individuals affected with SLC12A6-related conditions. ClinVar contains an entry for this variant (Variation ID: 1408479). Invitae Evidence Modeling of protein sequence and biophysical properties (such as structural, functional, and spatial information, amino acid conservation, physicochemical variation, residue mobility, and thermodynamic stability) indicates that this missense variant is not expected to disrupt SLC12A6 protein function with a negative predictive value of 80%. In summary, the available evidence is currently insufficient to determine the role of this variant in disease. Therefore, it has been classified as a Variant of Uncertain Significance.